The following is an entry in ClinVar:

NM_006885.4(ZFHX3):c.10767del (p.Ala3590fs)

Genes: ZFHX3 (zinc finger homeobox 3; minus strand), ZFHX3-AS1 (ZFHX3 antisense RNA 1; plus strand). Cytogenetic location: 16q22.2.
Variant type: Deletion.
Coding change: c.10767del on transcript NM_006885.4 (MANE Select); coding-DNA position 10767, one base deleted (T; older notation c.10767delT).
Protein change: p.Ala3590fs; shifts the reading frame from alanine 3590.
Molecular consequence: frameshift variant. On other transcripts: non-coding transcript variant (1).
Genome position (GRCh38, 1-based): chr16:72,787,509, A deleted on the plus strand (T on the coding strand, the reverse complement: ZFHX3 is on the minus strand). VCF-style (leftmost placement, unchanged base first): chr16-72787508-CA-C. GRCh37 (hg19) VCF-style: chr16-72821407-CA-C.
Other names: c.8025del, p.Ala2676fs (NM_001164766.2); c.10767del, p.Ala3590fs (NM_001386735.1); short protein forms A2676fs, A3590fs.
Identifiers: ClinVar variation 4071648 (VCV004071648.1).

ClinVar aggregate classification (germline): Uncertain significance (1 of 4 stars; one submission).

Submission:

GeneDx
Classification: Uncertain significance. Last evaluated: 2025-01-16. Review status: criteria provided, single submitter. Criteria: GeneDx Variant Classification Process June 2021. Collection method: clinical testing. Allele origin: germline. Affected: yes.
Comment: Frameshift variant predicted to result in abnormal protein length as the last 114 amino acids are replaced with 103 different amino acids; Has not been previously published as pathogenic or benign to our knowledge